The following is an entry in ClinVar:

NM_024782.3(NHEJ1):c.842T>C (p.Leu281Pro)

Gene: NHEJ1 (non-homologous end joining factor 1; minus strand). Cytogenetic location: 2q35.
Variant type: single nucleotide variant.
Coding change: c.842T>C on transcript NM_024782.3 (MANE Select); coding-DNA position 842, T replaced by C.
Protein change: p.Leu281Pro; replaces leucine 281 with proline.
Molecular consequence: missense variant. On other transcripts: non-coding transcript variant (1).
Genome position (GRCh38, 1-based): chr2:219,076,439, A>G on the plus strand (T>C on the coding strand, the complement: NHEJ1 is on the minus strand). VCF-style: chr2-219076439-A-G. GRCh37 (hg19) VCF-style: chr2-219941161-A-G.
Other names: c.857T>C, p.Leu286Pro (NM_001377499.1); c.842T>C, p.Leu281Pro (NM_001377498.1); short protein forms L286P, L281P.
Identifiers: ClinVar variation 1426050 (VCV001426050.8), dbSNP rs1375879411, ClinGen allele CA350642108.
Genomic context (GRCh38, chr2:219,076,439, plus strand): 5'-GATTAACTGAAGAGACCCCTTGGCTTCTTCCTCTTGACCTTTGACAGCTGAGGTCTCTGC[A>G]GAGGGCCTGAAGTACCCTAGAAAAAAGGGAACCCAAGTTAGTAGGGGTTTTGAAATAGTT-3'
Protein context (NP_079058.1, residues 271-291): EKESTGTSGP[Leu281Pro]QRPQLSKVKR

ClinVar aggregate classification (germline): Uncertain significance (1 of 4 stars; one submission).

Conditions:
Cernunnos-XLF deficiency (IMD124). Also called: SCID, autosomal recessive, T cell-negative, B cell-negative, NK cell-positive, and sensitivity to ionizing radiation due to NHEJ1 deficiency; IMMUNODEFICIENCY 124, SEVERE COMBINED; NHEJ1 SYNDROME; Severe combined immunodeficiency with sensitivity to ionizing radiation due to NHEJ1 deficiency; SCID, AUTOSOMAL RECESSIVE, T CELL-NEGATIVE, B CELL-NEGATIVE, NK CELL-POSITIVE, WITH MICROCEPHALY, GROWTH RETARDATION, AND SENSITIVITY TO IONIZING RADIATION. Identifiers: Orphanet 169079, MedGen C1969799, MONDO:0012650, OMIM 611291.

Allele frequency attached by ClinVar (database versions not stated): TOPMed below 0.00001.

Submission:

Labcorp Genetics (formerly Invitae), Labcorp
Classification: Uncertain significance for Cernunnos-XLF deficiency. Last evaluated: 2021-06-14. Review status: criteria provided, single submitter. Criteria: Invitae Variant Classification Sherloc (09022015). Collection method: clinical testing. Allele origin: germline.
Comment: This sequence change replaces leucine with proline at codon 281 of the NHEJ1 protein (p.Leu281Pro). The leucine residue is weakly conserved and there is a moderate physicochemical difference between leucine and proline. This variant is not present in population databases (ExAC no frequency). This variant has not been reported in the literature in individuals with NHEJ1-related conditions. Algorithms developed to predict the effect of missense changes on protein structure and function (SIFT, PolyPhen-2, Align-GVGD) all suggest that this variant is likely to be tolerated, but these predictions have not been confirmed by published functional studies and their clinical significance is uncertain. In summary, the available evidence is currently insufficient to determine the role of this variant in disease. Therefore, it has been classified as a Variant of Uncertain Significance.